The following is an entry in ClinVar:

NM_198576.4(AGRN):c.463+56G>T

Genes: AGRN (agrin; plus strand), LOC126805576 (P300/CBP strongly-dependent group 1 enhancer GRCh37_chr1:956772-957971; plus strand). Cytogenetic location: 1p36.33.
Variant type: single nucleotide variant.
Coding change: c.463+56G>T on transcript NM_198576.4 (MANE Select); 56 bases into the intron after coding-DNA position 463, G replaced by T.
Molecular consequence: intron variant.
Genome position (GRCh38, 1-based): chr1:1,022,518, G>T. VCF-style: chr1-1022518-G-T. GRCh37 (hg19) VCF-style: chr1-957898-G-T.
Other names: c.463+56G>T (NM_001305275.2).
Identifiers: ClinVar variation 677944 (VCV000677944.2), dbSNP rs2799064, ClinGen allele CA10655128.

ClinVar aggregate classification (germline): Benign. Review status: criteria provided, multiple submitters, no conflicts (2 of 4 stars). 2 submissions from 2 submitters: Benign (2). Last evaluated 2018-06-16.

Allele frequency attached by ClinVar (database versions not stated): 1000 Genomes Project 0.32847; TOPMed 0.32886; 1000 Genomes Project 30x 0.33151; gnomAD 0.34490 and 0.34700.
gnomAD v4.1: 536,817 of 1,557,668 alleles (34%); highest among the groups gnomAD compares: South Asian, 36%; 94,257 homozygotes.

Submissions (2):

GeneDx
Classification: Benign. Last evaluated: 2018-06-16. Review status: criteria provided, single submitter. Criteria: GeneDx Variant Classification (06012015). Collection method: clinical testing. Allele origin: germline. Affected: yes.
Comment: This variant is considered likely benign or benign based on one or more of the following criteria: it is a conservative change, it occurs at a poorly conserved position in the protein, it is predicted to be benign by multiple in silico algorithms, and/or has population frequency not consistent with disease.

Breakthrough Genomics
Classification: Benign. Review status: criteria provided, single submitter. Criteria: ACMG Guidelines, 2015. Collection method: not provided. Allele origin: germline. Inheritance: Autosomal recessive inheritance. Affected: yes.